The following is an entry in ClinVar:

ClinVar aggregate classification (germline): Uncertain significance. Review status: criteria provided, multiple submitters, no conflicts (2 of 4 stars). 2 submissions from 2 submitters: Uncertain significance (2). Last evaluated 2022-03-12.

Conditions:
Congenital myasthenic syndrome 11. Also called: MYASTHENIC SYNDROME, CONGENITAL, Ie; Myasthenic syndrome, congenital, 11, associated with acetylcholine receptor deficiency. Identifiers: Orphanet 590, MedGen C4225367, MONDO:0014588, OMIM 616326.
Fetal akinesia deformation sequence 1 (FADS1). Also called: Pena-Shokeir syndrome type I; Fetal akinesia sequence. Identifiers: Orphanet 994, MedGen C1276035, MONDO:0100101, OMIM 208150, HP:0001989.

gnomAD v4.1: 14 of 1,562,530 alleles (0.0009%); highest among the groups gnomAD compares: Admixed American, 0.012%; no homozygotes.

Submissions (2):

Labcorp Genetics (formerly Invitae), Labcorp
Classification: Uncertain significance for Congenital myasthenic syndrome 11; Fetal akinesia deformation sequence 1. Last evaluated: 2022-03-12. Review status: criteria provided, single submitter. Criteria: Invitae Variant Classification Sherloc (09022015). Collection method: clinical testing. Allele origin: germline.
Comment: This sequence change replaces glutamic acid, which is acidic and polar, with lysine, which is basic and polar, at codon 333 of the RAPSN protein (p.Glu333Lys). The frequency data for this variant in the population databases is considered unreliable, as metrics indicate poor data quality at this position in the gnomAD database. This variant has not been reported in the literature in individuals affected with RAPSN-related conditions. Algorithms developed to predict the effect of missense changes on protein structure and function are either unavailable or do not agree on the potential impact of this missense change (SIFT: "Deleterious"; PolyPhen-2: "Possibly Damaging"; Align-GVGD: "Class C0"). In summary, the available evidence is currently insufficient to determine the role of this variant in disease. Therefore, it has been classified as a Variant of Uncertain Significance.

Revvity Omics, Revvity
Classification: Uncertain significance. Last evaluated: 2019-04-05. Review status: criteria provided, single submitter. Criteria: ACMG Guidelines, 2015. Collection method: clinical testing. Allele origin: germline.

NM_005055.5(RAPSN):c.997G>A (p.Glu333Lys)

Gene: RAPSN (receptor associated protein of the synapse; minus strand). Cytogenetic location: 11p11.2.
Variant type: single nucleotide variant.
Coding change: c.997G>A on transcript NM_005055.5 (MANE Select); coding-DNA position 997, G replaced by A.
Protein change: p.Glu333Lys; replaces glutamic acid 333 with lysine.
Molecular consequence: missense variant.
Genome position (GRCh38, 1-based): chr11:47,438,901, C>T on the plus strand (G>A on the coding strand, the complement: RAPSN is on the minus strand). VCF-style: chr11-47438901-C-T. GRCh37 (hg19) VCF-style: chr11-47460452-C-T.
Other names: c.997G>A (NM_005055.4); c.820G>A, p.Glu274Lys (NM_032645.5); short protein forms E274K, E333K.
Identifiers: ClinVar variation 1984790 (VCV001984790.4), dbSNP rs201947904, ClinGen allele CA5976533.
Genomic context (GRCh38, chr11:47,438,901, plus strand): 5'-GGAACCTCACAACGTGCGCCCGCAGTTCCCGCTGCAGCCCTTTGCTGCGGTAAATGCTCT[C>T]GCTCAGACAGTGCAGCTTGAGCTGGCTCAGCTGGGGCCCGCAGGAGTGGAGAGCGCCAGT-3'
Protein context (NP_005046.2, residues 323-343): LSQLKLHCLS[Glu333Lys]SIYRSKGLQR